The following is an entry in ClinVar:

ClinVar aggregate classification (germline): Likely pathogenic (1 of 4 stars; one submission).

Conditions:
Dilated cardiomyopathy 1G (CMD1G). Identifiers: Orphanet 154, MedGen C1858763, MONDO:0011400, OMIM 604145.
Autosomal recessive limb-girdle muscular dystrophy type 2J (LGMDR10). Also called: Limb-girdle muscular dystrophy, type 2J; MUSCULAR DYSTROPHY, LIMB-GIRDLE, AUTOSOMAL RECESSIVE 10. Identifiers: Orphanet 140922, MedGen C1837342, MONDO:0012127, OMIM 608807.

Submission:

Labcorp Genetics (formerly Invitae), Labcorp
Classification: Likely pathogenic for Dilated cardiomyopathy 1G; Autosomal recessive limb-girdle muscular dystrophy type 2J. Last evaluated: 2024-10-18. Review status: criteria provided, single submitter. Criteria: Invitae Variant Classification Sherloc (09022015). Collection method: clinical testing. Allele origin: germline.
Comment: This sequence change creates a premature translational stop signal (p.Gln994Valfs*3) in the TTN gene. While this is not anticipated to result in nonsense mediated decay, it is expected to create a truncated TTN protein. This variant is not present in population databases (gnomAD no frequency). This variant has not been reported in the literature in individuals affected with TTN-related conditions. ClinVar contains an entry for this variant (Variation ID: 2127540). This variant is located in the Z band of TTN (PMID: 25589632). Truncating variants in this region have been reported in individuals affected with autosomal recessive centronuclear myopathy (PMID: 33449170, internal data). Truncating variants in this region have also been identified in individuals affected with autosomal dominant dilated cardiomyopathy and/or cardio-related conditions (PMID: 27869827, 32964742, internal data). In summary, the currently available evidence indicates that the variant is pathogenic, but additional data are needed to prove that conclusively. Therefore, this variant has been classified as Likely Pathogenic.

Literature cited by the submitters: PubMed 25589632; PubMed 33449170; PubMed 27869827; PubMed 32964742.

NM_001267550.2(TTN):c.2980_2995del (p.Gln994fs)

Gene: TTN (titin; minus strand). Cytogenetic location: 2q31.2.
Variant type: Deletion.
Coding change: c.2980_2995del on transcript NM_001267550.2 (MANE Select); coding-DNA positions 2980 to 2995, 16 bases deleted (CAGAGTGGAATTGCTC).
Protein change: p.Gln994fs; shifts the reading frame from glutamine 994.
Molecular consequence: frameshift variant.
Genome position (GRCh38, 1-based): chr2:178,782,911-178,782,926, GAGCAATTCCACTCTG deleted on the plus strand (CAGAGTGGAATTGCTC on the coding strand, the reverse complement: TTN is on the minus strand); deleting any 16 consecutive bases within chr2:178,782,911-178,782,928 gives the same sequence; the c. name uses the placement nearest the transcript's 3' end. VCF-style (leftmost placement, unchanged base first): chr2-178782910-CGAGCAATTCCACTCTG-C. GRCh37 (hg19) VCF-style: chr2-179647637-CGAGCAATTCCACTCTG-C.
Other names: c.2842_2857del, p.Gln948fs (NM_003319.4, NM_133432.3, NM_133437.4); c.2980_2995del, p.Gln994fs (NM_133378.4, NM_133379.5, NM_001256850.1); short protein forms Q948fs, Q994fs.
Identifiers: ClinVar variation 2127540 (VCV002127540.4), dbSNP rs2533374395, ClinGen allele CA2580065201.